The following is an entry in ClinVar:

ClinVar aggregate classification (germline): Pathogenic (1 of 4 stars; one submission).

Conditions:
Ataxia-telangiectasia syndrome (AT). Also called: ATAXIA-TELANGIECTASIA, COMPLEMENTATION GROUP A; ATAXIA-TELANGIECTASIA, FRESNO VARIANT; Ataxia-telangiectasia; Ataxia-telangiectasia, complementation group D; AT, COMPLEMENTATION GROUP C; Ataxia-telangiectasia, complementation group E. Identifiers: Orphanet 100, MedGen C0004135, MONDO:0008840, OMIM 208900.

Submission:

Labcorp Genetics (formerly Invitae), Labcorp
Classification: Pathogenic for Ataxia-telangiectasia syndrome. Last evaluated: 2019-02-27. Review status: criteria provided, single submitter. Criteria: Invitae Variant Classification Sherloc (09022015). Collection method: clinical testing. Allele origin: germline.
Comment: For these reasons, this variant has been classified as Pathogenic. Loss-of-function variants in ATM are known to be pathogenic (PMID: 23807571, 25614872). This variant has not been reported in the literature in individuals with ATM-related conditions. This variant is not present in population databases (ExAC no frequency). This sequence change creates a premature translational stop signal (p.Ile2683Asnfs*5) in the ATM gene. It is expected to result in an absent or disrupted protein product.

Literature cited by the submitters: PubMed 23807571; PubMed 25614872.

NM_000051.4(ATM):c.8047dup (p.Ile2683fs)

Genes: ATM (ATM serine/threonine kinase; plus strand), C11orf65 (chromosome 11 open reading frame 65; minus strand). Cytogenetic location: 11q22.3.
Variant type: Duplication.
Coding change: c.8047dup on transcript NM_000051.4 (MANE Select); coding-DNA position 8047, one base duplicated (A; older notation c.8047dupA).
Protein change: p.Ile2683fs; shifts the reading frame from isoleucine 2683.
Molecular consequence: frameshift variant. On other transcripts: intron variant (2).
Genome position (GRCh38, 1-based): chr11:108,335,005, A duplicated. VCF-style (leftmost placement, unchanged base first): chr11-108335004-T-TA. GRCh37 (hg19) VCF-style: chr11-108205731-T-TA.
Other names: c.8047dup, p.Ile2683fs (NM_001351834.2); c.641-25934dup (NM_001330368.2); c.*38+215dup (NM_001351110.2); short protein forms I2683fs.
Identifiers: ClinVar variation 848763 (VCV000848763.9), dbSNP rs2086674096, ClinGen allele CA916080468.